The following is an entry in ClinVar:

NM_205768.3(ZBTB18):c.545A>G (p.Lys182Arg)

Gene: ZBTB18 (zinc finger and BTB domain containing 18; plus strand). Cytogenetic location: 1q44.
Variant type: single nucleotide variant.
Coding change: c.545A>G on transcript NM_205768.3 (MANE Select); coding-DNA position 545, A replaced by G.
Protein change: p.Lys182Arg; replaces lysine 182 with arginine.
Molecular consequence: missense variant.
Genome position (GRCh38, 1-based): chr1:244,054,319, A>G. VCF-style: chr1-244054319-A-G. GRCh37 (hg19) VCF-style: chr1-244217621-A-G.
Other names: c.518A>G, p.Lys173Arg (NM_001278196.2, NM_006352.5); c.545A>G, p.Lys182Arg (NM_001421566.1); short protein forms K173R, K182R.
Identifiers: ClinVar variation 4082815 (VCV004082815.1).

ClinVar aggregate classification (germline): Uncertain significance (1 of 4 stars; one submission).

Submission:

GeneDx
Classification: Uncertain significance. Last evaluated: 2025-03-06. Review status: criteria provided, single submitter. Criteria: GeneDx Variant Classification Process June 2021. Collection method: clinical testing. Allele origin: germline. Affected: yes.
Comment: Not observed at significant frequency in large population cohorts (gnomAD); In silico analysis indicates that this missense variant does not alter protein structure/function; Has not been previously published as pathogenic or benign to our knowledge.